The following is an entry in ClinVar:

NM_032383.5(HPS3):c.1267G>A (p.Asp423Asn)

Gene: HPS3 (HPS3 biogenesis of lysosomal organelles complex 2 subunit 1; plus strand). Cytogenetic location: 3q24.
Variant type: single nucleotide variant.
Coding change: c.1267G>A on transcript NM_032383.5 (MANE Select); coding-DNA position 1267, G replaced by A.
Protein change: p.Asp423Asn; replaces aspartic acid 423 with asparagine.
Molecular consequence: missense variant.
Genome position (GRCh38, 1-based): chr3:149,153,515, G>A. VCF-style: chr3-149153515-G-A. GRCh37 (hg19) VCF-style: chr3-148871302-G-A.
Other names: c.772G>A, p.Asp258Asn (NM_001308258.2); short protein forms D258N, D423N.
Identifiers: ClinVar variation 2127010 (VCV002127010.4), dbSNP rs2473099328, ClinGen allele CA354918946.

ClinVar aggregate classification (germline): Uncertain significance (1 of 4 stars; one submission).

Submission:

Labcorp Genetics (formerly Invitae), Labcorp
Classification: Uncertain significance. Last evaluated: 2024-01-24. Review status: criteria provided, single submitter. Criteria: Invitae Variant Classification Sherloc (09022015). Collection method: clinical testing. Allele origin: germline.
Comment: This sequence change replaces aspartic acid, which is acidic and polar, with asparagine, which is neutral and polar, at codon 423 of the HPS3 protein (p.Asp423Asn). This variant is not present in population databases (gnomAD no frequency). This variant has not been reported in the literature in individuals affected with HPS3-related conditions. ClinVar contains an entry for this variant (Variation ID: 2127010). Advanced modeling of protein sequence and biophysical properties (such as structural, functional, and spatial information, amino acid conservation, physicochemical variation, residue mobility, and thermodynamic stability) performed at Invitae indicates that this missense variant is expected to disrupt HPS3 protein function with a positive predictive value of 80%. Algorithms developed to predict the effect of sequence changes on RNA splicing suggest that this variant may disrupt the consensus splice site. In summary, the available evidence is currently insufficient to determine the role of this variant in disease. Therefore, it has been classified as a Variant of Uncertain Significance.